The following is an entry in ClinVar:

NM_001164508.2(NEB):c.10153A>T (p.Lys3385Ter)

Gene: NEB (nebulin; minus strand). Cytogenetic location: 2q23.3.
Variant type: single nucleotide variant.
Coding change: c.10153A>T on transcript NM_001164508.2 (MANE Select); coding-DNA position 10153, A replaced by T.
Protein change: p.Lys3385Ter; replaces lysine 3385 with a stop codon.
Molecular consequence: nonsense.
Genome position (GRCh38, 1-based): chr2:151,627,196, T>A on the plus strand (A>T on the coding strand, the complement: NEB is on the minus strand). VCF-style: chr2-151627196-T-A. GRCh37 (hg19) VCF-style: chr2-152483710-T-A.
Other names: c.10153A>T, p.Lys3385Ter (NM_001164507.2, NM_001271208.2); c.9424A>T, p.Lys3142Ter (NM_004543.5); short protein forms K3142*, K3385*.
Identifiers: ClinVar variation 5015242 (VCV005015242.1).

ClinVar aggregate classification (germline): Pathogenic (1 of 4 stars; one submission).

Conditions:
Nemaline myopathy 2 (NEM2). Also called: Nemaline myopathy 2, autosomal recessive. Identifiers: MedGen C1850569, MONDO:0009725, OMIM 256030.

Submission:

Myriad Genetics, Inc.
Classification: Pathogenic for Nemaline myopathy 2. Last evaluated: 2025-11-19. Review status: criteria provided, single submitter. Criteria: Myriad Autosomal Dominant, Autosomal Recessive and X-Linked Classification Criteria (2023). Collection method: clinical testing. Allele origin: unknown.
Comment: NM_001271208.1(NEB):c.10153A>T(K3385*) is expected to be pathogenic in the context of NEB-related nemaline myopathy. This variant is predicted to lead to an abnormal or absent protein product due to the creation of a premature termination codon in NEB, a gene where loss-of-function variants are known to be pathogenic. Please note: this variant was assessed in the context of healthy population screening.